The following is an entry in ClinVar:

NM_001184880.2(PCDH19):c.3003del (p.Asp1001fs)

Gene: PCDH19 (protocadherin 19; minus strand). Cytogenetic location: Xq22.1.
Variant type: Deletion.
Coding change: c.3003del on transcript NM_001184880.2 (MANE Select); coding-DNA position 3003, one base deleted (T; older notation c.3003delT).
Protein change: p.Asp1001fs; shifts the reading frame from aspartic acid 1001.
Molecular consequence: frameshift variant.
Genome position (GRCh38, 1-based): chrX:100,296,721, A deleted on the plus strand (T on the coding strand, the reverse complement: PCDH19 is on the minus strand). VCF-style (leftmost placement, unchanged base first): chrX-100296720-CA-C. GRCh37 (hg19) VCF-style: chrX-99551718-CA-C.
Other names: c.2862del, p.Asp954fs (NM_001105243.2); c.2859del, p.Asp953fs (NM_020766.3); short protein forms D1001fs, D954fs, D953fs.
Identifiers: ClinVar variation 4711708 (VCV004711708.1).

ClinVar aggregate classification (germline): Pathogenic (1 of 4 stars; one submission).

Conditions:
Developmental and epileptic encephalopathy, 9 (DEE9). Also called: Early infantile epileptic encephalopathy 9; JUBERG-HELLMAN SYNDROME; EPILEPSY, FEMALE-RESTRICTED, WITH MENTAL RETARDATION; PCDH19-Related X-Linked Female-Limited Epilepsy with Mental Retardation. Identifiers: Orphanet 101039, Orphanet 2076, MedGen C1848137, MONDO:0010246, OMIM 300088. Disease mechanism: loss of function.

Submission:

Labcorp Genetics (formerly Invitae), Labcorp
Classification: Pathogenic for Developmental and epileptic encephalopathy, 9. Last evaluated: 2025-02-02. Review status: criteria provided, single submitter. Criteria: Invitae Variant Classification Sherloc (09022015). Collection method: clinical testing. Allele origin: germline.
Comment: This sequence change creates a premature translational stop signal (p.Asp1001Glufs*33) in the PCDH19 gene. While this is not anticipated to result in nonsense mediated decay, it is expected to disrupt the last 148 amino acid(s) of the PCDH19 protein. This variant is not present in population databases (gnomAD no frequency). This variant has not been reported in the literature in individuals affected with PCDH19-related conditions. This variant disrupts a region of the PCDH19 protein in which other variant(s) (p.Tyr1083Serfs*47) have been determined to be pathogenic (internal data). This suggests that this is a clinically significant region of the protein, and that variants that disrupt it are likely to be disease-causing. For these reasons, this variant has been classified as Pathogenic.